The following is an entry in ClinVar:

ClinVar aggregate classification (germline): Uncertain significance. Review status: criteria provided, multiple submitters, no conflicts (2 of 4 stars). 2 submissions from 2 submitters: Uncertain significance (2). Last evaluated 2026-09-09.

Conditions:
PAX3-related disorder. Also called: PAX3-related condition.
Inborn genetic diseases. Identifiers: MedGen C0950123, MeSH D030342.

gnomAD v4.1: 82 of 1,613,822 alleles (0.0051%); highest among the groups gnomAD compares: Non-Finnish European, 0.0065%; no homozygotes.

Submissions (2):

PreventionGenetics, part of Exact Sciences
Classification: Uncertain significance for PAX3-related condition. Last evaluated: 2026-09-09. Review status: criteria provided, single submitter. Criteria: ACMG Guidelines, 2015. Collection method: clinical testing. Allele origin: germline.
Comment: The PAX3 c.1480G>A variant is predicted to result in the amino acid substitution p.Asp494Asn. To our knowledge, this variant has not been reported in the literature. This variant is reported in 0.0070% of alleles in individuals of European (Non-Finnish) descent in gnomAD. At this time, the clinical significance of this variant is uncertain due to the absence of conclusive functional and genetic evidence.

Ambry Genetics
Classification: Uncertain significance for Inborn genetic diseases. Last evaluated: 2024-04-22. Review status: criteria provided, single submitter. Criteria: Ambry Variant Classification Scheme 2023. Collection method: clinical testing. Allele origin: germline.

NM_181458.4(PAX3):c.*196G>A

Gene: PAX3 (paired box 3; minus strand). Cytogenetic location: 2q36.1.
Variant type: single nucleotide variant.
Coding change: c.*196G>A on transcript NM_181458.4 (MANE Select); 196 bases downstream of the stop codon, G replaced by A.
Molecular consequence: 3 prime UTR variant. On other transcripts: missense variant (1).
Genome position (GRCh38, 1-based): chr2:222,201,212, C>T on the plus strand (G>A on the coding strand, the complement: PAX3 is on the minus strand). VCF-style: chr2-222201212-C-T. GRCh37 (hg19) VCF-style: chr2-223065931-C-T.
Other names: c.*196G>A (NM_001127366.3); c.1480G>A, p.Asp494Asn (NM_181459.4); c.*9G>A (NM_181460.4); c.*192G>A (NM_181461.4); short protein forms D494N.
Identifiers: ClinVar variation 3304468 (VCV003304468.2).
Genomic context (GRCh38, chr2:222,201,212, plus strand): 5'-CTTAAAATGTTGCATTTGTCTTTTATTGCTCCAGGTCTTCCTCTTCTCCACTGCTTTTGT[C>T]GAACGTGTTCAAAAGGATTTGAAACCAACTATTGGAGGAAGAAAATCAATCACTCTCCTT-3'